The following is an entry in ClinVar:

NM_032108.4(SEMA6B):c.2047C>A (p.Pro683Thr)

Gene: SEMA6B (semaphorin 6B; minus strand). Cytogenetic location: 19p13.3.
Variant type: single nucleotide variant.
Coding change: c.2047C>A on transcript NM_032108.4 (MANE Select); coding-DNA position 2047, C replaced by A.
Protein change: p.Pro683Thr; replaces proline 683 with threonine.
Molecular consequence: missense variant.
Genome position (GRCh38, 1-based): chr19:4,544,221, G>T on the plus strand (C>A on the coding strand, the complement: SEMA6B is on the minus strand). VCF-style: chr19-4544221-G-T. GRCh37 (hg19) VCF-style: chr19-4544233-G-T.
Other names: short protein forms P683T.
Identifiers: ClinVar variation 3901447 (VCV003901447.1).

ClinVar aggregate classification (germline): Uncertain significance (1 of 4 stars; one submission).

Submission:

GeneDx
Classification: Uncertain significance. Last evaluated: 2024-12-08. Review status: criteria provided, single submitter. Criteria: GeneDx Variant Classification Process June 2021. Collection method: clinical testing. Allele origin: germline. Affected: yes.
Comment: Not observed at significant frequency in large population cohorts (gnomAD); In silico analysis supports that this missense variant has a deleterious effect on protein structure/function; Has not been previously published as pathogenic or benign to our knowledge